The following is an entry in ClinVar:

NM_000016.6(ACADM):c.*5dup (p.Ter422=)

Gene: ACADM (acyl-CoA dehydrogenase medium chain; plus strand). Cytogenetic location: 1p31.1.
Variant type: Duplication.
Coding change: c.*5dup on transcript NM_000016.6 (MANE Select); 5 bases downstream of the stop codon, one base duplicated (A; older notation c.*5dupA).
Protein change: p.Ter422=.
Molecular consequence: no sequence alteration.
Genome position (GRCh38, 1-based): chr1:75,762,768, A duplicated; the last of 7 consecutive A bases (chr1:75,762,762-75,762,768); duplicating any one gives the same sequence. VCF-style (leftmost placement, unchanged base first): chr1-75762761-T-TA. GRCh37 (hg19) VCF-style: chr1-76228446-T-TA.
Other names: c.*5dup, p.Ter426= (NM_001127328.3); c.*5dup, p.Ter386= (NM_001286042.2); c.*5dup, p.Ter455= (NM_001286043.2); c.*5dup, p.Ter233= (NM_001286044.2); c.*5dupA (NM_000016.5).
Identifiers: ClinVar variation 726809 (VCV000726809.11), dbSNP rs3841786, ClinGen allele CA913321.

ClinVar aggregate classification (germline): Likely benign. Review status: criteria provided, multiple submitters, no conflicts (2 of 4 stars). 2 submissions from 2 submitters: Likely benign (2). Last evaluated 2026-01-26.

Conditions:
Medium-chain acyl-coenzyme A dehydrogenase deficiency (ACADMD). Also called: ACADM DEFICIENCY; MCADH DEFICIENCY; MCAD Deficiency; Medium chain acyl-CoA dehydrogenase deficiency; CARNITINE DEFICIENCY SECONDARY TO MEDIUM-CHAIN ACYL-CoA DEHYDROGENASE DEFICIENCY; MCADD. Identifiers: Orphanet 42, MedGen C0220710, MONDO:0008721, OMIM 201450.
ACADM-related disorder. Also called: ACADM-related condition.

Submissions (2):

Labcorp Genetics (formerly Invitae), Labcorp
Classification: Likely benign for Medium-chain acyl-coenzyme A dehydrogenase deficiency. Last evaluated: 2026-01-26. Review status: criteria provided, single submitter. Criteria: Invitae Variant Classification Sherloc (09022015). Collection method: clinical testing. Allele origin: germline.

PreventionGenetics, part of Exact Sciences
Classification: Likely benign for ACADM-related condition. Last evaluated: 2025-04-30. Review status: criteria provided, single submitter. Criteria: ACMG Guidelines, 2015. Collection method: clinical testing. Allele origin: germline.
Comment: This variant is classified as likely benign based on ACMG/AMP sequence variant interpretation guidelines (Richards et al. 2015 PMID: 25741868, with internal and published modifications).